The following is an entry in ClinVar:

ClinVar aggregate classification (germline): Uncertain significance (1 of 4 stars; one submission).

gnomAD v4.1: 1 of 1,612,834 alleles (0.000062%); highest among the groups gnomAD compares: Non-Finnish European, 0.000085%; no homozygotes.

Submission:

Labcorp Genetics (formerly Invitae), Labcorp
Classification: Uncertain significance. Last evaluated: 2023-10-09. Review status: criteria provided, single submitter. Criteria: Invitae Variant Classification Sherloc (09022015). Collection method: clinical testing. Allele origin: germline.
Comment: This sequence change replaces isoleucine, which is neutral and non-polar, with serine, which is neutral and polar, at codon 153 of the POLE protein (p.Ile153Ser). This variant is not present in population databases (gnomAD no frequency). This variant has not been reported in the literature in individuals affected with POLE-related conditions. Advanced modeling of protein sequence and biophysical properties (such as structural, functional, and spatial information, amino acid conservation, physicochemical variation, residue mobility, and thermodynamic stability) has been performed at Invitae for this missense variant, however the output from this modeling did not meet the statistical confidence thresholds required to predict the impact of this variant on POLE protein function. In summary, the available evidence is currently insufficient to determine the role of this variant in disease. Therefore, it has been classified as a Variant of Uncertain Significance.

NM_006231.4(POLE):c.458T>G (p.Ile153Ser)

Gene: POLE (DNA polymerase epsilon, catalytic subunit; minus strand). Cytogenetic location: 12q24.33.
Variant type: single nucleotide variant.
Coding change: c.458T>G on transcript NM_006231.4 (MANE Select); coding-DNA position 458, T replaced by G.
Protein change: p.Ile153Ser; replaces isoleucine 153 with serine.
Molecular consequence: missense variant.
Genome position (GRCh38, 1-based): chr12:132,679,617, A>C on the plus strand (T>G on the coding strand, the complement: POLE is on the minus strand). VCF-style: chr12-132679617-A-C. GRCh37 (hg19) VCF-style: chr12-133256203-A-C.
Other names: short protein forms I153S.
Identifiers: ClinVar variation 2991352 (VCV002991352.3), dbSNP rs750863447, ClinGen allele CA387367445.
Genomic context (GRCh38, chr12:132,679,617, plus strand): 5'-GCAGGGGAGATCTCCTTCCTCACTTTGACAAGATCCTCCACAGTGTGGAAGGACAGCCTG[A>C]TGTAATTTCGCTTCAAACCCACCAAGTGATTTGGCTATAATGCGAAGAGATCACGCTCAT-3'
Protein context (NP_006222.2, residues 143-163): NHLVGLKRNY[Ile153Ser]RLSFHTVEDL